The following is an entry in ClinVar:

ClinVar aggregate classification (germline): Conflicting classifications of pathogenicity. Review status: criteria provided, conflicting classifications (1 of 4 stars). 2 submissions from 2 submitters: Uncertain significance (1); Likely benign (1). Last evaluated 2026-02-01.

Allele frequency attached by ClinVar (database versions not stated): ExAC 0.00014; ESP Exome Variant Server 0.00031; TOPMed 0.00031; gnomAD 0.00040.
gnomAD v4.1: 99 of 1,608,898 alleles (0.0062%); highest among the groups gnomAD compares: African/African-American, 0.11%; no homozygotes.

Submissions (2):

Labcorp Genetics (formerly Invitae), Labcorp
Classification: Uncertain significance. Last evaluated: 2026-02-01. Review status: criteria provided, single submitter. Criteria: Invitae Variant Classification Sherloc (09022015). Collection method: clinical testing. Allele origin: germline.
Comment: This sequence change replaces alanine, which is neutral and non-polar, with valine, which is neutral and non-polar, at codon 445 of the SYNPO protein (p.Ala445Val). This variant is present in population databases (rs143457316, gnomAD 0.1%), and has an allele count higher than expected for a pathogenic variant. This variant has not been reported in the literature in individuals affected with SYNPO-related conditions. ClinVar contains an entry for this variant (Variation ID: 2163366). An algorithm developed to predict the effect of missense changes on protein structure and function outputs the following: PolyPhen-2: "Benign". The valine amino acid residue is found in multiple mammalian species, which suggests that this missense change does not adversely affect protein function. In summary, the available evidence is currently insufficient to determine the role of this variant in disease. Therefore, it has been classified as a Variant of Uncertain Significance.

Ambry Genetics
Classification: Likely benign. Last evaluated: 2021-10-05. Review status: criteria provided, single submitter. Criteria: Ambry Variant Classification Scheme 2023. Collection method: clinical testing. Allele origin: germline.

NM_007286.6(SYNPO):c.1334C>T (p.Ala445Val)

Gene: SYNPO (synaptopodin; plus strand). Cytogenetic location: 5q33.1.
Variant type: single nucleotide variant.
Coding change: c.1334C>T on transcript NM_007286.6 (MANE Select); coding-DNA position 1334, C replaced by T.
Protein change: p.Ala445Val; replaces alanine 445 with valine.
Molecular consequence: missense variant.
Genome position (GRCh38, 1-based): chr5:150,649,609, C>T. VCF-style: chr5-150649609-C-T. GRCh37 (hg19) VCF-style: chr5-150029171-C-T.
Other names: c.1334C>T, p.Ala445Val (NM_001109974.3); c.2066C>T, p.Ala689Val (NM_001166208.2, NM_001166209.2); c.2066C>T (NM_001166208.1); short protein forms A445V, A689V.
Identifiers: ClinVar variation 2163366 (VCV002163366.4), dbSNP rs143457316, ClinGen allele CA3513399.